The following is an entry in ClinVar:

NM_206933.4(USH2A):c.7130dup (p.Asn2377fs)

Gene: USH2A (usherin; minus strand). Cytogenetic location: 1q41.
Variant type: Duplication.
Coding change: c.7130dup on transcript NM_206933.4 (MANE Select); coding-DNA position 7130, one base duplicated (A; older notation c.7130dupA).
Protein change: p.Asn2377fs; shifts the reading frame from asparagine 2377.
Molecular consequence: frameshift variant.
Genome position (GRCh38, 1-based): chr1:215,934,786, T duplicated on the plus strand (A on the coding strand, the reverse complement: USH2A is on the minus strand); the first of 2 consecutive T bases (chr1:215,934,786-215,934,787); duplicating either gives the same sequence. VCF-style (leftmost placement, unchanged base first): chr1-215934785-G-GT. GRCh37 (hg19) VCF-style: chr1-216108127-G-GT.
Other names: c.7130dupA (NM_206933.2); c.7130dup (NM_206933.2); short protein forms N2377fs.
Identifiers: ClinVar variation 553843 (VCV000553843.7), dbSNP rs1553277866, ClinGen allele CA658822208.
Genomic context (GRCh38, chr1:215,934,785, plus strand): 5'-CACCCAAAGGTTTGTCTCTTCTCCGCTGTACATGACTTTTGTGACATTCAGAAGGGTGTA[G>GT]TTATTACCTACTGATTAAAAAAGAAAATTATTAAAATAAATACATATTTAAGAATTCATT-3'

ClinVar aggregate classification (germline): Pathogenic/Likely pathogenic. Review status: criteria provided, multiple submitters, no conflicts (2 of 4 stars). 3 submissions from 3 submitters: Pathogenic (1); Likely pathogenic (1). 1 of the submissions does not count toward it. Last evaluated 2025-04-15.

Conditions:
Retinitis pigmentosa 39 (RP39). Identifiers: Orphanet 791, MedGen C3151138, MONDO:0013436, OMIM 613809.
Usher syndrome type 2A. Also called: RETINAL DISEASE IN USHER SYNDROME TYPE IIA, MODIFIER OF; USHER SYNDROME, TYPE IIA. Identifiers: Orphanet 231178, Orphanet 886, MedGen C1848634, MONDO:0010169, OMIM 276901.

Submissions (3):

Natera, Inc.
Classification: Likely pathogenic for Usher syndrome type 2A. Last evaluated: 2025-04-15. Review status: criteria provided, single submitter. Criteria: Natera Variant Classification Schema (03/2026). Collection method: clinical testing. Allele origin: germline.
Comment: The c.7130dup variant in USH2A is a frameshift variant predicted to shift the reading frame beginning at codon 2377 and leads to a stop codon 41 codons downstream. This variant is expected to result in nonsense mediated decay, truncation, or a dysfunctional protein product. This variant is rare in the general population with a frequency below the threshold expected for the associated phenotype(s). Given the available evidence, this variant is classified as Likely Pathogenic.

Labcorp Genetics (formerly Invitae), Labcorp
Classification: Pathogenic. Last evaluated: 2022-12-20. Review status: criteria provided, single submitter. Criteria: Invitae Variant Classification Sherloc (09022015). Collection method: clinical testing. Allele origin: germline.
Comment: For these reasons, this variant has been classified as Pathogenic. ClinVar contains an entry for this variant (Variation ID: 553843). This variant has not been reported in the literature in individuals affected with USH2A-related conditions. This variant is not present in population databases (gnomAD no frequency). This sequence change creates a premature translational stop signal (p.Asn2377Lysfs*41) in the USH2A gene. It is expected to result in an absent or disrupted protein product. Loss-of-function variants in USH2A are known to be pathogenic (PMID: 10729113, 10909849, 20507924, 25649381).

Counsyl
Classification: Likely pathogenic for Usher syndrome type 2A; Retinitis pigmentosa 39. Last evaluated: 2017-09-11. Review status: no assertion criteria provided. Collection method: clinical testing. Allele origin: unknown. Not counted in ClinVar's aggregate classification.

Literature cited by the submitters: PubMed 10729113 (cited by Labcorp Genetics (formerly Invitae), Labcorp); PubMed 10909849 (cited by Labcorp Genetics (formerly Invitae), Labcorp); PubMed 20507924 (cited by Labcorp Genetics (formerly Invitae), Labcorp); PubMed 25649381 (cited by Labcorp Genetics (formerly Invitae), Labcorp).